The following is an entry in ClinVar:

ClinVar aggregate classification (germline): Uncertain significance (1 of 4 stars; one submission).

Allele frequency attached by ClinVar (database versions not stated): gnomAD exomes 0.00001.
gnomAD v4.1: 7 of 1,613,902 alleles (0.00043%); highest among the groups gnomAD compares: Non-Finnish European, 0.00051%; no homozygotes.

Submission:

Women's Health and Genetics/Laboratory Corporation of America, LabCorp
Classification: Uncertain significance. Last evaluated: 2025-10-30. Review status: criteria provided, single submitter. Criteria: LabCorp Variant Classification Summary - May 2015. Collection method: clinical testing. Allele origin: germline.
Comment: Variant summary: CDH23 c.739G>A (p.Glu247Lys) results in a conservative amino acid change located in the eleventh glutamate residue located in cadherin domain 3 (Okano_2019) of the encoded protein sequence. Algorithms developed to predict the effect of missense changes on protein structure and function are either unavailable or do not agree on the potential impact of this missense change. The variant was absent in 249150 control chromosomes. The available data on variant occurrences in the general population are insufficient to allow any conclusion about variant significance. c.739G>A has been reported in the literature as a presumed compound heterozygous genotype in at-least one individual affected with features of Usher Syndrome, specifically particularly severe retinitis pigmentosa phenotype (example, Roux_2006) who has been subsequently cited by others (example, Chen_2019, Okano_2019). These data do not allow any conclusion about variant significance. To our knowledge, no experimental evidence demonstrating an impact on protein function has been reported. The following publications have been ascertained in the context of this evaluation (PMID: 31445392, 30774966, 16679490). ClinVar contains an entry for this variant (Variation ID: 1722451). Based on the evidence outlined above, the variant was classified as uncertain significance.

Literature cited by the submitters: PubMed 16679490; PubMed 31445392; PubMed 30774966.

NM_022124.6(CDH23):c.739G>A (p.Glu247Lys)

Gene: CDH23 (cadherin related 23; plus strand). Cytogenetic location: 10q22.1.
Variant type: single nucleotide variant.
Coding change: c.739G>A on transcript NM_022124.6 (MANE Select); coding-DNA position 739, G replaced by A.
Protein change: p.Glu247Lys; replaces glutamic acid 247 with lysine.
Molecular consequence: missense variant.
Genome position (GRCh38, 1-based): chr10:71,570,904, G>A. VCF-style: chr10-71570904-G-A. GRCh37 (hg19) VCF-style: chr10-73330661-G-A.
Other names: c.739G>A, p.Glu247Lys (NM_001171930.2, NM_001171931.2, NM_001171932.2 and 1 more transcripts); short protein forms E247K.
Identifiers: ClinVar variation 1722451 (VCV001722451.2), dbSNP rs2493485428, ClinGen allele CA377113255.